The following is an entry in ClinVar:

NM_000226.4(KRT9):c.327G>A (p.Gly109=)

Gene: KRT9 (keratin 9; minus strand). Cytogenetic location: 17q21.2.
Variant type: single nucleotide variant.
Coding change: c.327G>A on transcript NM_000226.4 (MANE Select); coding-DNA position 327, G replaced by A.
Protein change: p.Gly109=; no amino-acid change (glycine 109 retained).
Molecular consequence: synonymous variant.
Genome position (GRCh38, 1-based): chr17:41,571,666, C>T on the plus strand (G>A on the coding strand, the complement: KRT9 is on the minus strand). VCF-style: chr17-41571666-C-T. GRCh37 (hg19) VCF-style: chr17-39727918-C-T.
Identifiers: ClinVar variation 3036315 (VCV003036315.2), dbSNP rs1301086987, ClinGen allele CA500205341.

ClinVar aggregate classification (germline): Likely benign (0 of 4 stars; one submission).

Conditions:
KRT9-related disorder. Also called: KRT9-related condition.

Allele frequency attached by ClinVar (database versions not stated): gnomAD 0.00001; TOPMed 0.00001; gnomAD exomes 0.00002.
gnomAD v4.1: 24 of 1,604,140 alleles (0.0015%); highest among the groups gnomAD compares: Non-Finnish European, 0.0019%; no homozygotes.

Submission:

PreventionGenetics, part of Exact Sciences
Classification: Likely benign for KRT9-related condition. Last evaluated: 2020-10-15. Review status: no assertion criteria provided. Collection method: clinical testing. Allele origin: germline.
Comment: This variant is classified as likely benign based on ACMG/AMP sequence variant interpretation guidelines (Richards et al. 2015 PMID: 25741868, with internal and published modifications).